The following is an entry in ClinVar:

NC_000007.13:g.(?_92077044)_(92085876_?)dup

Gene: GATAD1 (GATA zinc finger domain containing 1; plus strand). Cytogenetic location: 7q21.2.
Variant type: Duplication.
Identifiers: ClinVar variation 3245807 (VCV003245807.1).

ClinVar aggregate classification (germline): Uncertain significance (1 of 4 stars; one submission).

Conditions:
Dilated cardiomyopathy 2B. Identifiers: Orphanet 154, MedGen C3553409, MONDO:0013848, OMIM 614672.

Submission:

Labcorp Genetics (formerly Invitae), Labcorp
Classification: Uncertain significance for Dilated cardiomyopathy 2B. Last evaluated: 2024-01-20. Review status: criteria provided, single submitter. Criteria: Invitae Variant Classification Sherloc (09022015). Collection method: clinical testing. Allele origin: unknown.
Comment: A copy number gain of the genomic region encompassing the full coding sequence of the GATAD1 gene has been identified. The boundaries of this event are unknown as they extend beyond the assayed region for this gene and therefore may encompass additional genes. As the precise location of this event is unknown, it may be in tandem or it may be located elsewhere in the genome. This variant has not been reported in the literature in individuals affected with GATAD1-related conditions. In summary, the available evidence is currently insufficient to determine the role of this variant in disease. Therefore, it has been classified as a Variant of Uncertain Significance.